The following is an entry in ClinVar:

ClinVar aggregate classification (germline): Uncertain significance. Review status: criteria provided, multiple submitters, no conflicts (2 of 4 stars). 5 submissions from 5 submitters: Uncertain significance (5). Last evaluated 2026-01-21.

Conditions:
Cardiovascular phenotype. Identifiers: MedGen CN230736.
MYH6-related disorder. Also called: MYH6-Related Disorders; MYH6-related condition.
Hypertrophic cardiomyopathy 14. Identifiers: MedGen C2750467, MONDO:0013197, OMIM 613251.
Atrial septal defect 3 (ASD3). Identifiers: Orphanet 1478, MedGen C3279790, MONDO:0013567, OMIM 614089.

Allele frequency attached by ClinVar (database versions not stated): gnomAD exomes below 0.00001; gnomAD 0.00001; TOPMed 0.00001.
gnomAD v4.1: 8 of 1,613,662 alleles (0.0005%); highest among the groups gnomAD compares: African/African-American, 0.008%; no homozygotes.

Submissions (5):

PreventionGenetics, part of Exact Sciences
Classification: Uncertain significance for MYH6-related condition. Last evaluated: 2026-01-21. Review status: criteria provided, single submitter. Criteria: ACMG Guidelines, 2015. Collection method: clinical testing. Allele origin: germline.
Comment: The MYH6 c.4097C>T variant is predicted to result in the amino acid substitution p.Ala1366Val. To our knowledge, this variant has not been reported in the literature. This variant is reported in 0.0029% of alleles in individuals of Latino descent in gnomAD. An alternative amino acid change at this same position (p.Ala1366Asp) has been observed in a family with congenital heart defects including 4 affected individuals and 1 unaffected sibling (Granados-Riveron et al. 2010. PubMed ID: 20656787). Functional studies of the p.Ala1366Asp variant demonstrated that this variant significantly disrupted myofibril formation (Granados-Riveron et al. 2010. PubMed ID: 20656787). At this time, the clinical significance of this variant is uncertain due to the absence of conclusive functional and genetic evidence.

Labcorp Genetics (formerly Invitae), Labcorp
Classification: Uncertain significance for Hypertrophic cardiomyopathy 14. Last evaluated: 2025-09-27. Review status: criteria provided, single submitter. Criteria: Invitae Variant Classification Sherloc (09022015). Collection method: clinical testing. Allele origin: germline.
Comment: This sequence change replaces alanine, which is neutral and non-polar, with valine, which is neutral and non-polar, at codon 1366 of the MYH6 protein (p.Ala1366Val). This variant is present in population databases (no rsID available, gnomAD 0.003%). This variant has not been reported in the literature in individuals affected with MYH6-related conditions. ClinVar contains an entry for this variant (Variation ID: 427048). Invitae Evidence Modeling of protein sequence and biophysical properties (such as structural, functional, and spatial information, amino acid conservation, physicochemical variation, residue mobility, and thermodynamic stability) indicates that this missense variant is not expected to disrupt MYH6 protein function with a negative predictive value of 80%. In summary, the available evidence is currently insufficient to determine the role of this variant in disease. Therefore, it has been classified as a Variant of Uncertain Significance.

GeneDx
Classification: Uncertain significance. Last evaluated: 2025-08-19. Review status: criteria provided, single submitter. Criteria: GeneDx Variant Classification Process June 2021. Collection method: clinical testing. Allele origin: germline. Affected: yes.
Comment: Not observed at significant frequency in large population cohorts (gnomAD); In silico analysis supports that this missense variant has a deleterious effect on protein structure/function; Has not been previously published as pathogenic or benign to our knowledge

Genomic Medicine Center of Excellence, King Faisal Specialist Hospital and Research Centre
Classification: Uncertain significance for Atrial septal defect 3. Last evaluated: 2024-03-29. Review status: criteria provided, single submitter. Criteria: ACMG Guidelines, 2015. Collection method: clinical testing. Allele origin: germline.

Ambry Genetics
Classification: Uncertain significance for Cardiovascular phenotype. Last evaluated: 2024-01-25. Review status: criteria provided, single submitter. Criteria: Ambry Variant Classification Scheme 2023. Collection method: clinical testing. Allele origin: germline.
Comment: The p.A1366V variant (also known as c.4097C>T), located in coding exon 27 of the MYH6 gene, results from a C to T substitution at nucleotide position 4097. The alanine at codon 1366 is replaced by valine, an amino acid with similar properties. This amino acid position is highly conserved in available vertebrate species. In addition, the in silico prediction for this alteration is inconclusive. Based on the available evidence, the clinical significance of this alteration remains unclear.

NM_002471.4(MYH6):c.4097C>T (p.Ala1366Val)

Gene: MYH6 (myosin heavy chain 6; minus strand). Cytogenetic location: 14q11.2.
Variant type: single nucleotide variant.
Coding change: c.4097C>T on transcript NM_002471.4 (MANE Select); coding-DNA position 4097, C replaced by T.
Protein change: p.Ala1366Val; replaces alanine 1366 with valine.
Molecular consequence: missense variant.
Genome position (GRCh38, 1-based): chr14:23,388,937, G>A on the plus strand (C>T on the coding strand, the complement: MYH6 is on the minus strand). VCF-style: chr14-23388937-G-A. GRCh37 (hg19) VCF-style: chr14-23858146-G-A.
Other names: short protein forms A1366V.
Identifiers: ClinVar variation 427048 (VCV000427048.8), dbSNP rs1085307922, ClinGen allele CA389001874.